The following is an entry in ClinVar:

NM_003047.5(SLC9A1):c.2136G>A (p.Glu712=)

Gene: SLC9A1 (solute carrier family 9 member A1; minus strand). Cytogenetic location: 1p36.11.
Variant type: single nucleotide variant.
Coding change: c.2136G>A on transcript NM_003047.5 (MANE Select); coding-DNA position 2136, G replaced by A.
Protein change: p.Glu712=; no amino-acid change (glutamic acid 712 retained).
Molecular consequence: synonymous variant. On other transcripts: non-coding transcript variant (1).
Genome position (GRCh38, 1-based): chr1:27,100,619, C>T on the plus strand (G>A on the coding strand, the complement: SLC9A1 is on the minus strand). VCF-style: chr1-27100619-C-T. GRCh37 (hg19) VCF-style: chr1-27427110-C-T.
Other names: p.Glu712=; c.2136G>A (NM_003047.4).
Identifiers: ClinVar variation 2065968 (VCV002065968.7), dbSNP rs148527788, ClinGen allele CA710858.

ClinVar aggregate classification (germline): Likely benign. Review status: criteria provided, multiple submitters, no conflicts (2 of 4 stars). 4 submissions from 4 submitters: Likely benign (3). 1 of the submissions does not count toward it. Last evaluated 2025-10-08.

Conditions:
SLC9A1-related disorder. Also called: SLC9A1-related condition.

Allele frequency attached by ClinVar (database versions not stated): ExAC 0.00021; gnomAD 0.00056; 1000 Genomes Project 0.00060; 1000 Genomes Project 30x 0.00062; TOPMed 0.00065; ESP Exome Variant Server 0.00085.
gnomAD v4.1: 203 of 1,610,722 alleles (0.013%); highest among the groups gnomAD compares: African/African-American, 0.17%; no homozygotes.

Submissions (4):

Labcorp Genetics (formerly Invitae), Labcorp
Classification: Likely benign. Last evaluated: 2025-10-08. Review status: criteria provided, single submitter. Criteria: Invitae Variant Classification Sherloc (09022015). Collection method: clinical testing. Allele origin: germline.

Mayo Clinic Laboratories, Mayo Clinic
Classification: Likely benign. Last evaluated: 2025-06-12. Review status: criteria provided, single submitter. Criteria: ACMG Guidelines, 2015. Collection method: clinical testing. Allele origin: germline. Observed: 3 variant alleles.
Comment: BP4, BP7

Blueprint Genetics
Classification: Likely benign. Last evaluated: 2024-10-23. Review status: criteria provided, single submitter. Criteria: ACMG Guidelines, 2015. Collection method: clinical testing. Allele origin: germline.

PreventionGenetics, part of Exact Sciences
Classification: Likely benign for SLC9A1-related condition. Last evaluated: 2024-04-18. Review status: no assertion criteria provided. Collection method: clinical testing. Allele origin: germline. Not counted in ClinVar's aggregate classification.
Comment: This variant is classified as likely benign based on ACMG/AMP sequence variant interpretation guidelines (Richards et al. 2015 PMID: 25741868, with internal and published modifications).